The following is an entry in ClinVar:

NM_005060.4(RORC):c.931A>C (p.Lys311Gln)

Gene: RORC (RAR related orphan receptor C; minus strand). Cytogenetic location: 1q21.3.
Variant type: single nucleotide variant.
Coding change: c.931A>C on transcript NM_005060.4 (MANE Select); coding-DNA position 931, A replaced by C.
Protein change: p.Lys311Gln; replaces lysine 311 with glutamine.
Molecular consequence: missense variant.
Genome position (GRCh38, 1-based): chr1:151,814,576, T>G on the plus strand (A>C on the coding strand, the complement: RORC is on the minus strand). VCF-style: chr1-151814576-T-G. GRCh37 (hg19) VCF-style: chr1-151787052-T-G.
Other names: c.868A>C, p.Lys290Gln (NM_001001523.2); short protein forms K290Q, K311Q.
Identifiers: ClinVar variation 931196 (VCV000931196.3), dbSNP rs1651672789, ClinGen allele CA342013966.
Genomic context (GRCh38, chr1:151,814,576, plus strand): 5'-CTGAACTCTCCCGGTGGGGGTGGGATACGTTCCCTTCCTGCAGGTCTCCTGGCCTCACCT[T>G]CCTCTGGTAGCCAGTCACTTCCTCCCGGGAGAAGATGTTGGAGCGCTGCCGCAGCAGGTC-3'
Protein context (NP_005051.2, residues 301-321): SREEVTGYQR[Lys311Gln]SMWEMWERCA

ClinVar aggregate classification (germline): Uncertain significance (1 of 4 stars; one submission).

Conditions:
Autosomal recessive mendelian susceptibility to mycobacterial diseases due to complete RORgamma receptor deficiency. Also called: Immunodeficiency 42. Identifiers: Orphanet 477857, MedGen C5567647, MONDO:0014710, OMIM 616622.

Allele frequency attached by ClinVar (database versions not stated): gnomAD exomes below 0.00001; gnomAD 0.00001.
gnomAD v4.1: 2 of 1,611,216 alleles (0.00012%); highest among the groups gnomAD compares: Non-Finnish European, 0.00017%; no homozygotes.

Submission:

Centre for Mendelian Genomics, University Medical Centre Ljubljana
Classification: Uncertain significance for Autosomal recessive mendelian susceptibility to mycobacterial diseases due to complete RORgamma receptor deficiency. Last evaluated: 2018-10-26. Review status: criteria provided, single submitter. Criteria: ACMG Guidelines, 2015. Collection method: clinical testing. Allele origin: unknown. Affected: yes.
Comment: This variant was classified as: Uncertain significance. The available evidence on this variant's pathogenicity is insufficient or conflicting. The following ACMG criteria were applied in classifying this variant: PM2,.